The following is an entry in ClinVar:

ClinVar aggregate classification (germline): Uncertain significance (1 of 4 stars; one submission).

Conditions:
Hereditary spastic paraplegia 45. Also called: SPASTIC PARAPLEGIA 45; Spastic paraplegia 45, autosomal recessive. Identifiers: Orphanet 320396, MedGen C3888209, MONDO:0013165, OMIM 613162.

Submission:

Labcorp Genetics (formerly Invitae), Labcorp
Classification: Uncertain significance for Hereditary spastic paraplegia 45. Last evaluated: 2021-04-16. Review status: criteria provided, single submitter. Criteria: Invitae Variant Classification Sherloc (09022015). Collection method: clinical testing. Allele origin: germline.
Comment: This sequence change replaces alanine with valine at codon 462 of the NT5C2 protein (p.Ala462Val). The alanine residue is highly conserved and there is a small physicochemical difference between alanine and valine. In summary, the available evidence is currently insufficient to determine the role of this variant in disease. Therefore, it has been classified as a Variant of Uncertain Significance. Algorithms developed to predict the effect of missense changes on protein structure and function (SIFT, PolyPhen-2, Align-GVGD) all suggest that this variant is likely to be disruptive, but these predictions have not been confirmed by published functional studies and their clinical significance is uncertain. This variant has not been reported in the literature in individuals with NT5C2-related conditions. This variant is not present in population databases (ExAC no frequency).

NM_001351169.2(NT5C2):c.1385C>T (p.Ala462Val)

Gene: NT5C2 (5'-nucleotidase, cytosolic II; minus strand). Cytogenetic location: 10q24.32.
Variant type: single nucleotide variant.
Coding change: c.1385C>T on transcript NM_001351169.2 (MANE Select); coding-DNA position 1385, C replaced by T.
Protein change: p.Ala462Val; replaces alanine 462 with valine.
Molecular consequence: missense variant.
Genome position (GRCh38, 1-based): chr10:103,090,675, G>A on the plus strand (C>T on the coding strand, the complement: NT5C2 is on the minus strand). VCF-style: chr10-103090675-G-A. GRCh37 (hg19) VCF-style: chr10-104850432-G-A.
Other names: c.1385C>T, p.Ala462Val (NM_001134373.3, NM_012229.5); c.1409C>T, p.Ala470Val (NM_001351170.2, NM_001351171.2, NM_001351172.2 and 1 more transcripts); c.1298C>T, p.Ala433Val (NM_001351174.1); c.1292C>T, p.Ala431Val (NM_001351175.2); c.812C>T, p.Ala271Val (NM_001351176.2, NM_001351177.2, NM_001351178.2 and 16 more transcripts); c.671C>T, p.Ala224Val (NM_001351194.2, NM_001351195.2, NM_001351196.2); short protein forms A271V, A224V, A433V, A462V, A470V, A431V.
Identifiers: ClinVar variation 1474648 (VCV001474648.8), dbSNP rs2134506085, ClinGen allele CA377968947.